The following is an entry in ClinVar:

NM_000179.3(MSH6):c.3775_3776del (p.Asn1259fs)

Gene: MSH6 (mutS homolog 6; plus strand). Cytogenetic location: 2p16.3.
Variant type: Deletion.
Coding change: c.3775_3776del on transcript NM_000179.3 (MANE Select); coding-DNA positions 3775 to 3776, 2 bases deleted (AA; older notation c.3775_3776delAA).
Protein change: p.Asn1259fs; shifts the reading frame from asparagine 1259.
Molecular consequence: frameshift variant.
Genome position (GRCh38, 1-based): chr2:47,806,332-47,806,333, AA deleted; deleting any 2 consecutive bases within chr2:47,806,330-47,806,333 gives the same sequence; the c. name uses the placement nearest the transcript's 3' end. VCF-style (leftmost placement, unchanged base first): chr2-47806329-CAA-C. GRCh37 (hg19) VCF-style: chr2-48033468-CAA-C.
Other names: c.3385_3386del, p.Asn1129fs (NM_001281492.2); c.2869_2870del, p.Asn957fs (NM_001281493.2, NM_001281494.2); c.3775_3776delAA (NM_000179.2); short protein forms N1129fs, N1259fs, N957fs.
Identifiers: ClinVar variation 639652 (VCV000639652.17), dbSNP rs1572745157, ClinGen allele CA915943967.

ClinVar aggregate classification (germline): Pathogenic. Review status: criteria provided, multiple submitters, no conflicts (2 of 4 stars). 6 submissions from 6 submitters: Pathogenic (6). Last evaluated 2026-03-13.

Conditions:
Mismatch repair cancer syndrome 3. Identifiers: MedGen C5436807, MONDO:0030841, OMIM 619097.
Lynch syndrome 5 (LYNCH5). Also called: Colorectal cancer, hereditary nonpolyposis, type 5; Hereditary non-polyposis colorectal cancer, type 5. Identifiers: Orphanet 144, MedGen C1833477, MONDO:0013710, OMIM 614350. Disease mechanism: loss of function.
Endometrial carcinoma. Also called: Endometrial carcinoma, somatic. Identifiers: MedGen C0476089, MONDO:0002447, OMIM 608089, HP:0012114.
Hereditary cancer-predisposing syndrome. Also called: Hereditary Cancer Syndrome; Hereditary neoplastic syndrome; Tumor predisposition; Neoplastic Syndromes, Hereditary. Identifiers: Orphanet 140162, MedGen C0027672, MeSH D009386, MONDO:0015356.
Hereditary nonpolyposis colorectal neoplasms. Identifiers: MedGen C0009405, MeSH D003123.

Submissions (6):

GeneDx
Classification: Pathogenic. Last evaluated: 2026-03-13. Review status: criteria provided, single submitter. Criteria: GeneDx Variant Classification Process June 2021. Collection method: clinical testing. Allele origin: germline.
Comment: Frameshift variant predicted to result in protein truncation or nonsense mediated decay in a gene for which loss of function is a known mechanism of disease; Identified in individuals referred for hereditary colorectal cancer and/or polyposis testing (PMID: 28502729); Truncating variants in this gene are considered pathogenic by a well-established clinical consortium and/or database; Not observed at significant frequency in large population cohorts (gnomAD); This variant is associated with the following publications: (PMID: 28502729)

Molecular Pathology, Peter Maccallum Cancer Centre
Classification: Pathogenic for Lynch syndrome 5. Last evaluated: 2025-01-06. Review status: criteria provided, single submitter. Criteria: ACMG Guidelines, 2015. Collection method: clinical testing. Allele origin: germline. Inheritance: Autosomal dominant inheritance.

Myriad Genetics, Inc.
Classification: Pathogenic for Lynch syndrome 5. Last evaluated: 2023-08-25. Review status: criteria provided, single submitter. Criteria: Myriad Autosomal Dominant, Autosomal Recessive and X-Linked Classification Criteria (2023). Collection method: clinical testing. Allele origin: unknown.
Comment: This variant is considered pathogenic. This variant creates a frameshift predicted to result in premature protein truncation.

Ambry Genetics
Classification: Pathogenic for Hereditary cancer-predisposing syndrome. Last evaluated: 2023-07-13. Review status: criteria provided, single submitter. Criteria: Ambry Variant Classification Scheme 2023. Collection method: clinical testing. Allele origin: germline.
Comment: The c.3775_3776delAA pathogenic mutation, located in coding exon 8 of the MSH6 gene, results from a deletion of two nucleotides at nucleotide positions 3775 to 3776, causing a translational frameshift with a predicted alternate stop codon (p.N1259Cfs*15). This mutation was detected in a patient with colorectal cancer referred for next generation sequencing (Rey JM et al. J Mol Diagn, 2017 07;19:589-601). In addition to the clinical data presented in the literature, this alteration is expected to result in loss of function by premature protein truncation or nonsense-mediated mRNA decay. As such, this alteration is interpreted as a disease-causing mutation.

Department of Pathology and Laboratory Medicine, Sinai Health System
Classification: Pathogenic for Endometrial carcinoma; Lynch syndrome 5; Mismatch repair cancer syndrome 3. Last evaluated: 2022-09-06. Review status: criteria provided, single submitter. Criteria: ACMG Guidelines, 2015. Collection method: clinical testing. Allele origin: germline. Affected: no.

Labcorp Genetics (formerly Invitae), Labcorp
Classification: Pathogenic for Hereditary nonpolyposis colorectal neoplasms. Last evaluated: 2022-07-25. Review status: criteria provided, single submitter. Criteria: Invitae Variant Classification Sherloc (09022015). Collection method: clinical testing. Allele origin: germline.
Comment: For these reasons, this variant has been classified as Pathogenic. ClinVar contains an entry for this variant (Variation ID: 639652). This premature translational stop signal has been observed in individual(s) with clinical history suggestive of Lynch or polyposis syndrome (PMID: 28502729). This variant is not present in population databases (gnomAD no frequency). This sequence change creates a premature translational stop signal (p.Asn1259Cysfs*15) in the MSH6 gene. It is expected to result in an absent or disrupted protein product. Loss-of-function variants in MSH6 are known to be pathogenic (PMID: 18269114, 24362816).

Literature cited by the submitters: PubMed 28502729 (cited by 3 submitters); PubMed 18269114 (cited by Labcorp Genetics (formerly Invitae), Labcorp); PubMed 24362816 (cited by Labcorp Genetics (formerly Invitae), Labcorp).